The following is an entry in ClinVar:

NM_002474.3(MYH11):c.5287A>G (p.Thr1763Ala)

Genes: MYH11 (myosin heavy chain 11; minus strand), NDE1 (nudE neurodevelopment protein 1; plus strand). Cytogenetic location: 16p13.11.
Variant type: single nucleotide variant.
Coding change: c.5287A>G on transcript NM_002474.3 (MANE Select); coding-DNA position 5287, A replaced by G.
Protein change: p.Thr1763Ala; replaces threonine 1763 with alanine.
Molecular consequence: missense variant. On other transcripts: intron variant (2).
Genome position (GRCh38, 1-based): chr16:15,718,323, T>C on the plus strand (A>G on the coding strand, the complement: MYH11 is on the minus strand). VCF-style: chr16-15718323-T-C. GRCh37 (hg19) VCF-style: chr16-15812180-T-C.
Other names: c.5308A>G, p.Thr1770Ala (NM_001040113.2, NM_001040114.2); c.5287A>G, p.Thr1763Ala (NM_022844.3); c.948-5868T>C (NM_001143979.2, NM_017668.3); short protein forms T1763A, T1770A.
Identifiers: ClinVar variation 1172088 (VCV001172088.3), dbSNP rs2151201134, ClinGen allele CA394849803.

ClinVar aggregate classification (germline): Uncertain significance (1 of 4 stars; one submission).

Conditions:
Familial thoracic aortic aneurysm and aortic dissection (TAAD). Also called: Thoracic aortic aneurysms and dissections. Identifiers: Orphanet 91387, MedGen C4707243, MONDO:0019625.

Submission:

Color Diagnostics, LLC DBA Color Health
Classification: Uncertain significance for Familial thoracic aortic aneurysm and aortic dissection. Last evaluated: 2024-03-06. Review status: criteria provided, single submitter. Criteria: ACMG Guidelines, 2015. Collection method: clinical testing. Allele origin: germline.
Comment: This missense variant replaces threonine with alanine at codon 1770 of the MYH11 protein. Computational prediction suggests that this variant may not impact protein structure and function (internally defined REVEL score threshold <= 0.5, PMID: 27666373). To our knowledge, functional studies have not been reported for this variant. This variant has not been reported in individuals affected with cardiovascular disorders in the literature. This variant has not been identified in the general population by the Genome Aggregation Database (gnomAD). The available evidence is insufficient to determine the role of this variant in disease conclusively. Therefore, this variant is classified as a Variant of Uncertain Significance.